The following is an entry in ClinVar:

ClinVar aggregate classification (germline): Likely benign. Review status: criteria provided, multiple submitters, no conflicts (2 of 4 stars). 3 submissions from 3 submitters: Likely benign (3). Last evaluated 2025-12-13.

Allele frequency attached by ClinVar (database versions not stated): gnomAD 0.00005 and 0.00006; gnomAD exomes 0.00005 and 0.00008; ExAC 0.00008; ESP Exome Variant Server 0.00008; TOPMed 0.00011.
gnomAD v4.1: 128 of 1,611,836 alleles (0.0079%); highest among the groups gnomAD compares: Admixed American, 0.012%; no homozygotes.

Submissions (3):

Labcorp Genetics (formerly Invitae), Labcorp
Classification: Likely benign. Last evaluated: 2025-12-13. Review status: criteria provided, single submitter. Criteria: Invitae Variant Classification Sherloc (09022015). Collection method: clinical testing. Allele origin: germline.

Blueprint Genetics
Classification: Likely benign. Last evaluated: 2024-08-30. Review status: criteria provided, single submitter. Criteria: ACMG Guidelines, 2015. Collection method: clinical testing. Allele origin: germline.

CeGaT Center for Human Genetics Tuebingen
Classification: Likely benign. Last evaluated: 2023-01-01. Review status: criteria provided, single submitter. Criteria: CeGaT Center For Human Genetics Tuebingen Variant Classification Criteria Version 2. Collection method: clinical testing. Allele origin: germline. Affected: yes. Observed: 1 variant allele.
Comment: DEAF1: BP4, BP7

NM_021008.4(DEAF1):c.1620C>T (p.Cys540=)

Gene: DEAF1 (DEAF1 transcription factor; minus strand). Cytogenetic location: 11p15.5.
Variant type: single nucleotide variant.
Coding change: c.1620C>T on transcript NM_021008.4 (MANE Select); coding-DNA position 1620, C replaced by T.
Protein change: p.Cys540=; no amino-acid change (cysteine 540 retained).
Molecular consequence: synonymous variant.
Genome position (GRCh38, 1-based): chr11:644,628, G>A on the plus strand (C>T on the coding strand, the complement: DEAF1 is on the minus strand). VCF-style: chr11-644628-G-A. GRCh37 (hg19) VCF-style: chr11-644628-G-A.
Other names: c.1395C>T, p.Cys465= (NM_001293634.2); c.894C>T, p.Cys298= (NM_001367390.1).
Identifiers: ClinVar variation 1565685 (VCV001565685.32), dbSNP rs145256931, ClinGen allele CA5786105.
Genomic context (GRCh38, chr11:644,628, plus strand): 5'-CATCACGCTTTCAGCCACGTGGACTTCGTCTGCCTGGACGGTGACAGCTGCTGACTGGCC[G>A]CATATGTGCTGGTGATCCTTCCAGTCCTGGAAGGGAGGACACACCCATGTCAGCAGGGTC-3'
Protein context (NP_066288.2, residues 530-550): RKDWKDHQHI[Cys540=]GQSAAVTVQA